The following is an entry in ClinVar:

NM_153813.3(ZFPM1):c.1331_1332del (p.Glu444fs)

Gene: ZFPM1 (zinc finger protein, FOG family member 1; plus strand). Cytogenetic location: 16q24.2.
Variant type: Deletion.
Coding change: c.1331_1332del on transcript NM_153813.3 (MANE Select); coding-DNA positions 1331 to 1332, 2 bases deleted (AG; older notation c.1331_1332delAG).
Protein change: p.Glu444fs; shifts the reading frame from glutamic acid 444.
Molecular consequence: frameshift variant.
Genome position (GRCh38, 1-based): chr16:88,533,289-88,533,290, AG deleted; deleting any 2 consecutive bases within chr16:88,533,288-88,533,290 gives the same sequence; the c. name uses the placement nearest the transcript's 3' end. VCF-style (leftmost placement, unchanged base first): chr16-88533287-GGA-G. GRCh37 (hg19) VCF-style: chr16-88599695-GGA-G.
Other names: c.1331_1332delAG (NM_153813.3); short protein forms E444fs.
Identifiers: ClinVar variation 4857724 (VCV004857724.1).

ClinVar aggregate classification (somatic clinical impact): Tier II - Potential (1 of 4 stars; one submission).

Conditions:
Leukemia. Identifiers: MedGen C0023418, MeSH D007938, MONDO:0005059, HP:0001909.

Submission:

Clinical Genetics Laboratory, Hai Phong University of Medicine and Pharmacy
Classification: Tier II - Potential for Leukemia. Assertion type: diagnostic. Clinical significance: supports diagnosis. Last evaluated: 2026-05-02. Review status: criteria provided, single submitter. Criteria: AMP/ASCO/CAP Guidelines, 2017. Collection method: research. Allele origin: somatic. Affected: yes.
Comment: Classification rationale per AMP/ASCO/CAP 2017 Guidelines (PMID:27993330): Tier II - Variant of Potential Clinical Significance. Variant: NM_153813.3:c.1331_1332delAG (p.Glu444Argfs*?) in ZFPM1, a frameshift variant predicted to result in loss of function (HIGH impact, nonsense-mediated decay candidate). ZFPM1 (FOG-1) encodes a zinc finger cofactor of GATA1/GATA2 transcription factors essential for normal hematopoietic differentiation (erythroid and megakaryocytic lineages); loss of function disrupts myeloid differentiation programs relevant to myeloid neoplasms including chronic myelomonocytic leukemia (CMML). Population data: variant is absent from gnomAD population databases (supporting somatic/rare status). Evidence level: Level D (preclinical/limited case-level evidence) - supports diagnostic relevance in the context of CMML by contributing to the spectrum of loss-of-function alterations in myeloid transcription regulators. No FDA-approved targeted therapy is currently associated with this variant. Classification of Tier II is assigned because the gene has plausible biological relevance to the myeloid malignancy phenotype, but clinical evidence remains limited.